The following is an entry in ClinVar:

ClinVar aggregate classification (germline): Pathogenic (1 of 4 stars; one submission).

Conditions:
Saethre-Chotzen syndrome (SCS). Also called: ACROCEPHALY, SKULL ASYMMETRY, AND MILD SYNDACTYLY; ACS III; CHOTZEN SYNDROME. Identifiers: Orphanet 794, MedGen C0175699, MONDO:0007042, OMIM 101400.
TWIST1-related craniosynostosis (CRS1). Also called: CRANIOSYNOSTOSIS 1. Identifiers: Orphanet 63440, MedGen C4551902, MONDO:0007399, OMIM 123100. Inheritance: Heterogenous inheritance pattern.

Submission:

Labcorp Genetics (formerly Invitae), Labcorp
Classification: Pathogenic for TWIST1-related craniosynostosis; Saethre-Chotzen syndrome. Last evaluated: 2020-12-30. Review status: criteria provided, single submitter. Criteria: Invitae Variant Classification Sherloc (09022015). Collection method: clinical testing. Allele origin: germline.
Comment: This variant, c.395_415dup, results in the insertion of 7 amino acid(s) to the TWIST1 protein (p.Arg132_Leu138dup), but otherwise preserves the integrity of the reading frame. This variant is not present in population databases (ExAC no frequency). For these reasons, this variant has been classified as Pathogenic. This variant is located in a region of the TWIST1 protein where a significant number of previously reported TWIST1 in-frame insertion variants are found (PMID: 8988166, 16838304, 26114524, 31754721). These observations suggest that this may be a clinically significant region of the protein. This variant has been observed in individual(s) with TWIST1-related conditions (PMID: 21520333, Invitae). In at least one individual the variant was observed to be de novo.

Literature cited by the submitters: PubMed 8988166; PubMed 16838304; PubMed 26114524; PubMed 31754721; PubMed 21520333.

NM_000474.4(TWIST1):c.395_415dup (p.Arg132_Leu138dup)

Gene: TWIST1 (twist family bHLH transcription factor 1; minus strand). Cytogenetic location: 7p21.1.
Variant type: Duplication.
Coding change: c.395_415dup on transcript NM_000474.4 (MANE Select); coding-DNA positions 395 to 415, 21 bases duplicated (GGAAGATCATCCCCACGCTGC).
Protein change: p.Arg132_Leu138dup.
Molecular consequence: inframe insertion. On other transcripts: non-coding transcript variant (1).
Genome position (GRCh38, 1-based): chr7:19,116,907-19,116,927, GCAGCGTGGGGATGATCTTCC duplicated on the plus strand (GGAAGATCATCCCCACGCTGC on the coding strand, the reverse complement: TWIST1 is on the minus strand); duplicating any 21 consecutive bases within chr7:19,116,907-19,116,933 gives the same sequence; the c. name uses the placement nearest the transcript's 3' end. VCF-style (leftmost placement, unchanged base first): chr7-19116906-G-GGCAGCGTGGGGATGATCTTCC. GRCh37 (hg19) VCF-style: chr7-19156529-G-GGCAGCGTGGGGATGATCTTCC.
Identifiers: ClinVar variation 1457074 (VCV001457074.8), dbSNP rs1554441992, ClinGen allele CA2573142038.